The following is an entry in ClinVar:

ClinVar aggregate classification (germline): Likely benign. Review status: criteria provided, multiple submitters, no conflicts (2 of 4 stars). 3 submissions from 3 submitters: Likely benign (2). 1 of the submissions does not count toward it. Last evaluated 2021-09-10.

Conditions:
Cardiovascular phenotype. Identifiers: MedGen CN230736.
Osteogenesis imperfecta type I (OI1). Also called: OI, TYPE I; OSTEOGENESIS IMPERFECTA TARDA; OSTEOGENESIS IMPERFECTA WITH BLUE SCLERAE; Osteogenesis imperfecta type 1; Lobstein's Disease; Lobstein disease. Identifiers: Orphanet 216796, Orphanet 666, MedGen C0023931, MONDO:0008146, OMIM 166200. Disease mechanism: loss of function.
COL1A1-related disorder. Also called: COL1A1- related disease; COL1A1-related condition.

Allele frequency attached by ClinVar (database versions not stated): gnomAD exomes below 0.00001 and 0.00001; ExAC 0.00001; gnomAD 0.00001.
gnomAD v4.1: 2 of 1,601,448 alleles (0.00012%); highest among the groups gnomAD compares: East Asian, 0.0045%; no homozygotes.

Submissions (3):

Labcorp Genetics (formerly Invitae), Labcorp
Classification: Likely benign for Osteogenesis imperfecta type I. Last evaluated: 2021-09-10. Review status: criteria provided, single submitter. Criteria: Invitae Variant Classification Sherloc (09022015). Collection method: clinical testing. Allele origin: germline.

Ambry Genetics
Classification: Likely benign for Cardiovascular phenotype. Last evaluated: 2021-03-05. Review status: criteria provided, single submitter. Criteria: Ambry Variant Classification Scheme 2023. Collection method: clinical testing. Allele origin: germline.

PreventionGenetics, part of Exact Sciences
Classification: Likely benign for COL1A1-related condition. Last evaluated: 2020-01-27. Review status: no assertion criteria provided. Collection method: clinical testing. Allele origin: germline. Not counted in ClinVar's aggregate classification.
Comment: This variant is classified as likely benign based on ACMG/AMP sequence variant interpretation guidelines (Richards et al. 2015 PMID: 25741868, with internal and published modifications).

NM_000088.4(COL1A1):c.663T>C (p.Gly221=)

Gene: COL1A1 (collagen type I alpha 1 chain; minus strand). Cytogenetic location: 17q21.33.
Variant type: single nucleotide variant.
Coding change: c.663T>C on transcript NM_000088.4 (MANE Select); coding-DNA position 663, T replaced by C.
Protein change: p.Gly221=; no amino-acid change (glycine 221 retained).
Molecular consequence: synonymous variant.
Genome position (GRCh38, 1-based): chr17:50,197,765, A>G on the plus strand (T>C on the coding strand, the complement: COL1A1 is on the minus strand). VCF-style: chr17-50197765-A-G. GRCh37 (hg19) VCF-style: chr17-48275126-A-G.
Identifiers: ClinVar variation 1595544 (VCV001595544.12), dbSNP rs770083936, ClinGen allele CA8645600.
Genomic context (GRCh38, chr17:50,197,765, plus strand): 5'-TGGTATCTTCTTGCTGGGGATACTTACATCATCTCCATTCTTTCCAGGGGGACCTGGGGG[A>G]CCTCGGGGACCCATGGGACCCTAGAAAAGATAGAAGAGGTGGTTAGAATATGGATAAGAA-3'
Protein context (NP_000079.2, residues 211-231): PGASGPMGPR[Gly221=]PPGPPGKNGD